The following is an entry in ClinVar:

NM_007227.3(GPR45):c.641C>T (p.Ala214Val)

Gene: GPR45 (G protein-coupled receptor 45; plus strand). Cytogenetic location: 2q12.1.
Variant type: single nucleotide variant.
Coding change: c.641C>T on transcript NM_007227.3 (MANE Select); coding-DNA position 641, C replaced by T.
Protein change: p.Ala214Val; replaces alanine 214 with valine.
Molecular consequence: missense variant.
Genome position (GRCh38, 1-based): chr2:105,242,499, C>T. VCF-style: chr2-105242499-C-T. GRCh37 (hg19) VCF-style: chr2-105858956-C-T.
Other names: short protein forms A214V.
Identifiers: ClinVar variation 4810892 (VCV004810892.1).

ClinVar aggregate classification (germline): Uncertain significance (1 of 4 stars; one submission).

gnomAD v4.1: 15 of 1,605,390 alleles (0.00093%); highest among the groups gnomAD compares: Non-Finnish European, 0.0013%; no homozygotes.

Submission:

Labcorp Genetics (formerly Invitae), Labcorp
Classification: Uncertain significance. Last evaluated: 2025-12-20. Review status: criteria provided, single submitter. Criteria: Invitae Variant Classification Sherloc (09022015). Collection method: clinical testing. Allele origin: germline.
Comment: This sequence change replaces alanine, which is neutral and non-polar, with valine, which is neutral and non-polar, at codon 214 of the GPR45 protein (p.Ala214Val). This variant is not present in population databases (gnomAD no frequency). This variant has not been reported in the literature in individuals affected with GPR45-related conditions. An algorithm developed to predict the effect of missense changes on protein structure and function (PolyPhen-2) suggests that this variant is likely to be tolerated. In summary, the available evidence is currently insufficient to determine the role of this variant in disease. Therefore, it has been classified as a Variant of Uncertain Significance.